The following is an entry in ClinVar:

ClinVar aggregate classification (germline): Likely benign (0 of 4 stars; one submission).

Conditions:
KIF1A-related disorder. Also called: KIF1A-related disorders; KIF1A-related condition.

Submission:

PreventionGenetics, part of Exact Sciences
Classification: Likely benign for KIF1A-related condition. Last evaluated: 2021-12-06. Review status: no assertion criteria provided. Collection method: clinical testing. Allele origin: germline.
Comment: This variant is classified as likely benign based on ACMG/AMP sequence variant interpretation guidelines (Richards et al. 2015 PMID: 25741868, with internal and published modifications).

NM_001244008.2(KIF1A):c.1761G>A (p.Leu587=)

Gene: KIF1A (kinesin family member 1A; minus strand). Cytogenetic location: 2q37.3.
Variant type: single nucleotide variant.
Coding change: c.1761G>A on transcript NM_001244008.2 (MANE Select); coding-DNA position 1761, G replaced by A.
Protein change: p.Leu587=; no amino-acid change (leucine 587 retained).
Molecular consequence: synonymous variant.
Genome position (GRCh38, 1-based): chr2:240,765,717, C>T on the plus strand (G>A on the coding strand, the complement: KIF1A is on the minus strand). VCF-style: chr2-240765717-C-T. GRCh37 (hg19) VCF-style: chr2-241705134-C-T.
Other names: c.1761G>A, p.Leu587= (NM_001320705.2, NM_001330289.2, NM_001379638.1); c.1836G>A, p.Leu612= (NM_001330290.2, NM_001379631.1, NM_001379634.1 and 2 more transcripts); c.1734G>A, p.Leu578= (NM_001379632.1, NM_001379633.1, NM_001379636.1 and 11 more transcripts); c.1809G>A, p.Leu603= (NM_001379637.1, NM_001379648.1).
Identifiers: ClinVar variation 3058022 (VCV003058022.2), dbSNP rs2537728126, ClinGen allele CA432035973.